The following is an entry in ClinVar:

NM_000038.6(APC):c.7309T>G (p.Leu2437Val)

Gene: APC (APC regulator of Wnt signaling pathway; plus strand). Cytogenetic location: 5q22.2.
Variant type: single nucleotide variant.
Coding change: c.7309T>G on transcript NM_000038.6 (MANE Select); coding-DNA position 7309, T replaced by G.
Protein change: p.Leu2437Val; replaces leucine 2437 with valine.
Molecular consequence: missense variant.
Genome position (GRCh38, 1-based): chr5:112,842,903, T>G. VCF-style: chr5-112842903-T-G. GRCh37 (hg19) VCF-style: chr5-112178600-T-G.
Other names: c.7309T>G, p.Leu2437Val (NM_001127510.3, NM_001354895.2); c.7255T>G, p.Leu2419Val (NM_001127511.3); c.7363T>G, p.Leu2455Val (NM_001354896.2); c.7339T>G, p.Leu2447Val (NM_001354897.2); c.7234T>G, p.Leu2412Val (NM_001354898.2); c.7225T>G, p.Leu2409Val (NM_001354899.2); c.7186T>G, p.Leu2396Val (NM_001354900.2); c.7132T>G, p.Leu2378Val (NM_001354901.2); and 5 more; short protein forms L2311V, L2336V, L2412V, L2447V, L2154V, L2419V, L2277V, L2378V.
Identifiers: ClinVar variation 1352063 (VCV001352063.8), dbSNP rs2149984091, ClinGen allele CA16037248.
Genomic context (GRCh38, chr5:112,842,903, plus strand): 5'-TCTAGAATGTCTTCAACTAAATCAAGTGGAAGTGAATCTGATAGATCAGAAAGACCTGTA[T>G]TAGTACGCCAGTCAACTTTCATCAAAGAAGCTCCAAGCCCAACCTTAAGAAGAAAATTGG-3'
Protein context (NP_000029.2, residues 2427-2447): SESDRSERPV[Leu2437Val]VRQSTFIKEA

ClinVar aggregate classification (germline): Uncertain significance (1 of 4 stars; one submission).

Conditions:
Familial adenomatous polyposis 1 (FAP1). Also called: FAMILIAL ADENOMATOUS POLYPOSIS 1, ATTENUATED; POLYPOSIS, ADENOMATOUS INTESTINAL. Identifiers: MedGen C2713442, MONDO:0021056, OMIM 175100. Disease mechanism: loss of function.

gnomAD v4.1: 1 of 1,614,060 alleles (0.000062%); no homozygotes.

Submission:

Labcorp Genetics (formerly Invitae), Labcorp
Classification: Uncertain significance for Familial adenomatous polyposis 1. Last evaluated: 2021-05-07. Review status: criteria provided, single submitter. Criteria: Invitae Variant Classification Sherloc (09022015). Collection method: clinical testing. Allele origin: germline.
Comment: This sequence change replaces leucine with valine at codon 2437 of the APC protein (p.Leu2437Val). The leucine residue is highly conserved and there is a small physicochemical difference between leucine and valine. This variant is not present in population databases (ExAC no frequency). In summary, the available evidence is currently insufficient to determine the role of this variant in disease. Therefore, it has been classified as a Variant of Uncertain Significance. Algorithms developed to predict the effect of missense changes on protein structure and function are either unavailable or do not agree on the potential impact of this missense change (SIFT: "Tolerated"; PolyPhen-2: "Probably Damaging"; Align-GVGD: "Class C0"). This variant has not been reported in the literature in individuals with APC-related conditions.